The following is an entry in ClinVar:

NM_001429.4(EP300):c.4863C>T (p.Cys1621=)

Gene: EP300 (EP300 lysine acetyltransferase; plus strand). Cytogenetic location: 22q13.2.
Variant type: single nucleotide variant.
Coding change: c.4863C>T on transcript NM_001429.4 (MANE Select); coding-DNA position 4863, C replaced by T.
Protein change: p.Cys1621=; no amino-acid change (cysteine 1621 retained).
Molecular consequence: synonymous variant.
Genome position (GRCh38, 1-based): chr22:41,176,330, C>T. VCF-style: chr22-41176330-C-T. GRCh37 (hg19) VCF-style: chr22-41572334-C-T.
Other names: c.4785C>T, p.Cys1595= (NM_001362843.2).
Identifiers: ClinVar variation 3037011 (VCV003037011.5), dbSNP rs779048506, ClinGen allele CA10253542.

ClinVar aggregate classification (germline): Benign/Likely benign. Review status: criteria provided, multiple submitters, no conflicts (2 of 4 stars). 3 submissions from 3 submitters: Benign (1); Likely benign (1). 1 of the submissions does not count toward it. Last evaluated 2026-08-01.

Conditions:
Rubinstein-Taybi syndrome due to EP300 haploinsufficiency. Also called: EP300-Related Rubinstein-Taybi Syndrome; RUBINSTEIN-TAYBI SYNDROME 2. Identifiers: Orphanet 353284, Orphanet 783, MedGen C3150941, MONDO:0013364, OMIM 613684.
EP300-related disorder. Also called: EP300-related condition; EP300-related disorders.

Allele frequency attached by ClinVar (database versions not stated): TOPMed below 0.00001; gnomAD exomes 0.00001; ExAC 0.00002; gnomAD 0.00002.
gnomAD v4.1: 12 of 1,614,094 alleles (0.00074%); highest among the groups gnomAD compares: Admixed American, 0.012%; no homozygotes.

Submissions (3):

CeGaT Center for Human Genetics Tuebingen
Classification: Likely benign. Last evaluated: 2026-08-01. Review status: criteria provided, single submitter. Criteria: CeGaT Center For Human Genetics Tuebingen Variant Classification Criteria Version 2. Collection method: clinical testing. Allele origin: germline. Affected: yes. Observed: 1 variant allele.
Comment: EP300: BP4, BP7

Labcorp Genetics (formerly Invitae), Labcorp
Classification: Benign for Rubinstein-Taybi syndrome due to EP300 haploinsufficiency. Last evaluated: 2025-03-30. Review status: criteria provided, single submitter. Criteria: Invitae Variant Classification Sherloc (09022015). Collection method: clinical testing. Allele origin: germline.

PreventionGenetics, part of Exact Sciences
Classification: Likely benign for EP300-related condition. Last evaluated: 2022-04-01. Review status: no assertion criteria provided. Collection method: clinical testing. Allele origin: germline. Not counted in ClinVar's aggregate classification.
Comment: This variant is classified as likely benign based on ACMG/AMP sequence variant interpretation guidelines (Richards et al. 2015 PMID: 25741868, with internal and published modifications).